The following is an entry in ClinVar:

ClinVar aggregate classification (germline): Uncertain significance. Review status: criteria provided, single submitter (1 of 4 stars). 2 submissions from 2 submitters: Uncertain significance (1). 1 of the submissions does not count toward it. Last evaluated 2025-03-11.

Conditions:
Charcot-Marie-Tooth disease. Also called: Charcot-Marie-Tooth Hereditary Neuropathy; Charcot-Marie-Tooth Neuropathy. Identifiers: Orphanet 166, MedGen C0007959, MONDO:0015626.

Submissions (2):

Women's Health and Genetics/Laboratory Corporation of America, LabCorp
Classification: Uncertain significance. Last evaluated: 2025-03-11. Review status: criteria provided, single submitter. Criteria: LabCorp Variant Classification Summary - May 2015. Collection method: clinical testing. Allele origin: germline.
Comment: Variant summary: SH3TC2 c.1985T>C (p.Leu662Pro) results in a non-conservative amino acid change in the encoded protein sequence. Five of five in-silico tools predict a damaging effect of the variant on protein function. The variant was absent in 251102 control chromosomes. The available data on variant occurrences in the general population are insufficient to allow any conclusion about variant significance. c.1985T>C has been reported in the literature in at-least one individual affected with Charcot-Marie-Tooth disease type 4C (Azzedine_2006). These data do not allow any conclusion about variant significance. To our knowledge, no experimental evidence demonstrating an impact on protein function has been reported. The following publication has been ascertained in the context of this evaluation (PMID: 16924012). ClinVar contains an entry for this variant (Variation ID: 637406). Based on the evidence outlined above, the variant was classified as uncertain significance.

Inherited Neuropathy Consortium
Classification: Uncertain significance for Charcot-Marie-Tooth disease. Review status: no assertion criteria provided. Collection method: literature only. Allele origin: germline. Affected: yes. Not counted in ClinVar's aggregate classification.

Literature cited by the submitters: PubMed 16924012 (cited by Women's Health and Genetics/Laboratory Corporation of America, LabCorp and Inherited Neuropathy Consortium).

NM_024577.4(SH3TC2):c.1985T>C (p.Leu662Pro)

Gene: SH3TC2 (SH3 domain and tetratricopeptide repeats 2; minus strand). Cytogenetic location: 5q32.
Variant type: single nucleotide variant.
Coding change: c.1985T>C on transcript NM_024577.4 (MANE Select); coding-DNA position 1985, T replaced by C.
Protein change: p.Leu662Pro; replaces leucine 662 with proline.
Molecular consequence: missense variant.
Genome position (GRCh38, 1-based): chr5:149,027,747, A>G on the plus strand (T>C on the coding strand, the complement: SH3TC2 is on the minus strand). VCF-style: chr5-149027747-A-G. GRCh37 (hg19) VCF-style: chr5-148407310-A-G.
Other names: short protein forms L662P.
Identifiers: ClinVar variation 637406 (VCV000637406.2), dbSNP rs1580900642, ClinGen allele CA361667323.
Genomic context (GRCh38, chr5:149,027,747, plus strand): 5'-TTGTCATACAGAAAACTCAAAACACTGGCCACAGCCTCAGAGGCAGGAGGGTGTCCAGAG[A>G]GGAGCTGCAGGCGCTCGGCAAAGGGCAGGACCTCCTCGTGCCGGCCTAGGCTCAGGAGCA-3'
Protein context (NP_078853.2, residues 652-672): VLPFAERLQL[Leu662Pro]SGHPPASEAV